The following is an entry in ClinVar:

NM_001366385.1(CARD14):c.1156C>T (p.Arg386Cys)

Gene: CARD14 (caspase recruitment domain family member 14; plus strand). Cytogenetic location: 17q25.3.
Variant type: single nucleotide variant.
Coding change: c.1156C>T on transcript NM_001366385.1 (MANE Select); coding-DNA position 1156, C replaced by T.
Protein change: p.Arg386Cys; replaces arginine 386 with cysteine.
Molecular consequence: missense variant. On other transcripts: non-coding transcript variant (1).
Genome position (GRCh38, 1-based): chr17:80,191,389, C>T. VCF-style: chr17-80191389-C-T. GRCh37 (hg19) VCF-style: chr17-78165188-C-T.
Other names: c.1156C>T, p.Arg386Cys (NM_001257970.1, NM_024110.4); c.445C>T, p.Arg149Cys (NM_052819.3); c.1156C>T (NM_024110.3); short protein forms R149C, R386C.
Identifiers: ClinVar variation 1431999 (VCV001431999.9), dbSNP rs746925458, ClinGen allele CA8816690.

ClinVar aggregate classification (germline): Uncertain significance. Review status: criteria provided, multiple submitters, no conflicts (2 of 4 stars). 2 submissions from 2 submitters: Uncertain significance (2). Last evaluated 2025-01-06.

Conditions:
Inborn genetic diseases. Identifiers: MedGen C0950123, MeSH D030342.
Psoriasis 2. Identifiers: MedGen C1864497, MONDO:0011269, OMIM 602723.
Pityriasis rubra pilaris (PRP). Also called: Pityriasis rubra pilaris--familial type. Identifiers: Orphanet 2897, MedGen C0032027, MONDO:0100017, OMIM 173200, MONDO:0008251.

Allele frequency attached by ClinVar (database versions not stated): gnomAD exomes 0.00002 and 0.00005; TOPMed 0.00005; ExAC 0.00006; gnomAD 0.00006 and 0.00007.
gnomAD v4.1: 40 of 1,613,770 alleles (0.0025%); highest among the groups gnomAD compares: African/African-American, 0.011%; no homozygotes.

Submissions (2):

Labcorp Genetics (formerly Invitae), Labcorp
Classification: Uncertain significance for Pityriasis rubra pilaris; Psoriasis 2. Last evaluated: 2025-01-06. Review status: criteria provided, single submitter. Criteria: Invitae Variant Classification Sherloc (09022015). Collection method: clinical testing. Allele origin: germline.
Comment: This sequence change replaces arginine, which is basic and polar, with cysteine, which is neutral and slightly polar, at codon 386 of the CARD14 protein (p.Arg386Cys). This variant is present in population databases (rs746925458, gnomAD 0.02%). This variant has not been reported in the literature in individuals affected with CARD14-related conditions. ClinVar contains an entry for this variant (Variation ID: 1431999). Invitae Evidence Modeling of protein sequence and biophysical properties (such as structural, functional, and spatial information, amino acid conservation, physicochemical variation, residue mobility, and thermodynamic stability) has been performed for this missense variant. However, the output from this modeling did not meet the statistical confidence thresholds required to predict the impact of this variant on CARD14 protein function. In summary, the available evidence is currently insufficient to determine the role of this variant in disease. Therefore, it has been classified as a Variant of Uncertain Significance.

Ambry Genetics
Classification: Uncertain significance for Inborn genetic diseases. Last evaluated: 2022-04-25. Review status: criteria provided, single submitter. Criteria: Ambry Variant Classification Scheme 2023. Collection method: clinical testing. Allele origin: germline.